The following is an entry in ClinVar:

NM_000282.4(PCCA):c.451G>T (p.Glu151Ter)

Gene: PCCA (propionyl-CoA carboxylase subunit alpha; plus strand). Cytogenetic location: 13q32.3.
Variant type: single nucleotide variant.
Coding change: c.451G>T on transcript NM_000282.4 (MANE Select); coding-DNA position 451, G replaced by T.
Protein change: p.Glu151Ter; replaces glutamic acid 151 with a stop codon.
Molecular consequence: nonsense. On other transcripts: 5 prime UTR variant (3), non-coding transcript variant (5).
Genome position (GRCh38, 1-based): chr13:100,157,323, G>T. VCF-style: chr13-100157323-G-T. GRCh37 (hg19) VCF-style: chr13-100809577-G-T.
Other names: c.373G>T, p.Glu125Ter (NM_001127692.3, NM_001352607.2, NM_001352608.2); c.451G>T, p.Glu151Ter (NM_001178004.2, NM_001352605.2, NM_001352606.2 and 1 more transcripts); c.-416G>T (NM_001352610.2, NM_001352611.2, NM_001352612.2); short protein forms E125*, E151*.
Identifiers: ClinVar variation 850325 (VCV000850325.10), dbSNP rs2053984648, ClinGen allele CA388693888.

ClinVar aggregate classification (germline): Pathogenic/Likely pathogenic. Review status: criteria provided, multiple submitters, no conflicts (2 of 4 stars). 3 submissions from 3 submitters: Pathogenic (1); Likely pathogenic (2). Last evaluated 2025-09-10.

Conditions:
Propionic acidemia (PROP). Also called: GLYCINEMIA, KETOTIC; HYPERGLYCINEMIA WITH KETOACIDOSIS AND LEUKOPENIA; KETOTIC HYPERGLYCINEMIA. Identifiers: Orphanet 35, MedGen C0268579, MONDO:0011628, OMIM 606054, HP:0003571.

Allele frequency attached by ClinVar (database versions not stated): gnomAD 0.00001.
gnomAD v4.1: 3 of 1,610,540 alleles (0.00019%); highest among the groups gnomAD compares: African/African-American, 0.0027%; no homozygotes.

Submissions (3):

Labcorp Genetics (formerly Invitae), Labcorp
Classification: Pathogenic for Propionic acidemia. Last evaluated: 2025-09-10. Review status: criteria provided, single submitter. Criteria: Invitae Variant Classification Sherloc (09022015). Collection method: clinical testing. Allele origin: germline.
Comment: This sequence change creates a premature translational stop signal (p.Glu151*) in the PCCA gene. It is expected to result in an absent or disrupted protein product. Loss-of-function variants in PCCA are known to be pathogenic (PMID: 15464417). This variant is not present in population databases (gnomAD no frequency). This variant has not been reported in the literature in individuals affected with PCCA-related conditions. ClinVar contains an entry for this variant (Variation ID: 850325). For these reasons, this variant has been classified as Pathogenic.

Fulgent Genetics
Classification: Likely pathogenic for Propionic acidemia. Last evaluated: 2024-03-21. Review status: criteria provided, single submitter. Criteria: ACMG Guidelines, 2015. Collection method: clinical testing. Allele origin: germline.

Baylor Genetics
Classification: Likely pathogenic for Propionic acidemia. Last evaluated: 2024-03-20. Review status: criteria provided, single submitter. Criteria: ACMG Guidelines, 2015. Collection method: clinical testing. Allele origin: unknown.

Literature cited by the submitters: PubMed 15464417 (cited by Labcorp Genetics (formerly Invitae), Labcorp).